The following is an entry in ClinVar:

NM_001367624.2(ZNF469):c.2837G>C (p.Arg946Thr)

Gene: ZNF469 (zinc finger protein 469; plus strand). Cytogenetic location: 16q24.2.
Variant type: single nucleotide variant.
Coding change: c.2837G>C on transcript NM_001367624.2 (MANE Select); coding-DNA position 2837, G replaced by C.
Protein change: p.Arg946Thr; replaces arginine 946 with threonine.
Molecular consequence: missense variant.
Genome position (GRCh38, 1-based): chr16:88,430,307, G>C. VCF-style: chr16-88430307-G-C. GRCh37 (hg19) VCF-style: chr16-88496715-G-C.
Other names: NM_001127464.1:c.2837G>C; short protein forms R946T.
Identifiers: ClinVar variation 1796658 (VCV001796658.2), dbSNP rs1362036018, ClinGen allele CA397075739.

ClinVar aggregate classification (germline): Uncertain significance (1 of 4 stars; one submission).

Conditions:
Cardiovascular phenotype. Identifiers: MedGen CN230736.

Allele frequency attached by ClinVar (database versions not stated): TOPMed below 0.00001; gnomAD 0.00001.
gnomAD v4.1: 7 of 1,515,440 alleles (0.00046%); highest among the groups gnomAD compares: Non-Finnish European, 0.00062%; no homozygotes.

Submission:

Ambry Genetics
Classification: Uncertain significance for Cardiovascular phenotype. Last evaluated: 2022-09-28. Review status: criteria provided, single submitter. Criteria: Ambry Variant Classification Scheme 2023. Collection method: clinical testing. Allele origin: germline.
Comment: The p.R946T variant (also known as c.2837G>C), located in coding exon 1 of the ZNF469 gene, results from a G to C substitution at nucleotide position 2837. The arginine at codon 946 is replaced by threonine, an amino acid with similar properties. This amino acid position is conserved. In addition, this alteration is predicted to be tolerated by in silico analysis. Since supporting evidence is limited at this time, the clinical significance of this alteration remains unclear.